The following is an entry in ClinVar:

ClinVar aggregate classification (germline): Uncertain significance (1 of 4 stars; one submission).

Conditions:
Acromesomelic dysplasia 1, Maroteaux type (AMD1). Also called: ST. HELENA DYSPLASIA; ACROMESOMELIC DYSPLASIA 1. Identifiers: Orphanet 40, MedGen C1864356, MONDO:0011275, OMIM 602875.
Tall stature-scoliosis-macrodactyly of the great toes syndrome. Also called: Epiphyseal chondrodysplasia, miura type. Identifiers: Orphanet 329191, MedGen C4014690, MONDO:0014401, OMIM 615923.

Submission:

Labcorp Genetics (formerly Invitae), Labcorp
Classification: Uncertain significance for Tall stature-scoliosis-macrodactyly of the great toes syndrome; Acromesomelic dysplasia 1, Maroteaux type. Last evaluated: 2024-11-19. Review status: criteria provided, single submitter. Criteria: Invitae Variant Classification Sherloc (09022015). Collection method: clinical testing. Allele origin: germline.
Comment: This sequence change replaces proline, which is neutral and non-polar, with histidine, which is basic and polar, at codon 975 of the NPR2 protein (p.Pro975His). This variant is not present in population databases (gnomAD no frequency). This variant has not been reported in the literature in individuals affected with NPR2-related conditions. Invitae Evidence Modeling of protein sequence and biophysical properties (such as structural, functional, and spatial information, amino acid conservation, physicochemical variation, residue mobility, and thermodynamic stability) indicates that this missense variant is expected to disrupt NPR2 protein function with a positive predictive value of 80%. In summary, the available evidence is currently insufficient to determine the role of this variant in disease. Therefore, it has been classified as a Variant of Uncertain Significance.

NM_003995.4(NPR2):c.2924C>A (p.Pro975His)

Genes: NPR2 (natriuretic peptide receptor 2; plus strand), SPAG8 (sperm associated antigen 8; minus strand). Cytogenetic location: 9p13.3.
Variant type: single nucleotide variant.
Coding change: c.2924C>A on transcript NM_003995.4 (MANE Select); coding-DNA position 2924, C replaced by A.
Protein change: p.Pro975His; replaces proline 975 with histidine.
Molecular consequence: missense variant. On other transcripts: intron variant (2).
Genome position (GRCh38, 1-based): chr9:35,808,791, C>A. VCF-style: chr9-35808791-C-A. GRCh37 (hg19) VCF-style: chr9-35808788-C-A.
Other names: c.2933C>A, p.Pro978His (NM_001378923.1); c.1201-485G>T (NM_001366760.2); c.1373-485G>T (NM_172312.2); short protein forms P975H, P978H.
Identifiers: ClinVar variation 3756906 (VCV003756906.2).
Genomic context (GRCh38, chr9:35,808,791, plus strand): 5'-CTCCCAACCTGTTTCTTCTCAAAGGGCCAGTCTGTGCTGGGGTTGTTGGCCTGAAGATGC[C>A]CCGTTATTGTCTTTTTGGAGACACAGTGAACACTGCTTCTCGAATGGAGTCTAATGGTCA-3'
Protein context (NP_003986.2, residues 965-985): VCAGVVGLKM[Pro975His]RYCLFGDTVN